The following is an entry in ClinVar:

ClinVar aggregate classification (germline): Pathogenic (1 of 4 stars; one submission).

Conditions:
Hereditary breast ovarian cancer syndrome. Also called: Hereditary breast and ovarian cancer; Hereditary breast and ovarian cancer syndrome; Breast and ovarian cancer; BRCA1- and BRCA2-Associated Hereditary Breast and Ovarian Cancer; Hereditary breast and ovarian cancer syndrome (HBOC); Hereditary breast and/or ovarian cancer syndrome. Identifiers: Orphanet 145, MedGen C0677776, MeSH D061325, MONDO:0003582. Disease mechanism: loss of function.

Submission:

Labcorp Genetics (formerly Invitae), Labcorp
Classification: Pathogenic for Hereditary breast ovarian cancer syndrome. Last evaluated: 2023-11-09. Review status: criteria provided, single submitter. Criteria: Invitae Variant Classification Sherloc (09022015). Collection method: clinical testing. Allele origin: germline.
Comment: This sequence change creates a premature translational stop signal (p.Lys604*) in the BRCA2 gene. It is expected to result in an absent or disrupted protein product. Loss-of-function variants in BRCA2 are known to be pathogenic (PMID: 20104584). This variant is not present in population databases (gnomAD no frequency). This variant has not been reported in the literature in individuals affected with BRCA2-related conditions. Algorithms developed to predict the effect of sequence changes on RNA splicing suggest that this variant may disrupt the consensus splice site. For these reasons, this variant has been classified as Pathogenic.

Literature cited by the submitters: PubMed 20104584.

NM_000059.4(BRCA2):c.1810A>T (p.Lys604Ter)

Gene: BRCA2 (BRCA2 DNA repair associated; plus strand). Cytogenetic location: 13q13.1.
Variant type: single nucleotide variant.
Coding change: c.1810A>T on transcript NM_000059.4 (MANE Select); coding-DNA position 1810, A replaced by T.
Protein change: p.Lys604Ter; replaces lysine 604 with a stop codon.
Molecular consequence: nonsense. On other transcripts: non-coding transcript variant (1), intron variant (1).
Genome position (GRCh38, 1-based): chr13:32,333,288, A>T. VCF-style: chr13-32333288-A-T. GRCh37 (hg19) VCF-style: chr13-32907425-A-T.
Other names: c.1810A>T, p.Lys604Ter (NM_001406719.1, NM_001406720.1, NM_001406721.1); c.424+2258A>T (NM_001406722.1); short protein forms K604*.
Identifiers: ClinVar variation 2754323 (VCV002754323.3), dbSNP rs80358467, ClinGen allele CA387765966.